The following is an entry in ClinVar:

ClinVar aggregate classification (germline): Likely pathogenic (1 of 4 stars; one submission).

Conditions:
Wilson disease (WND). Also called: Wilson's disease. Identifiers: Orphanet 905, MedGen C0019202, MONDO:0010200, OMIM 277900. Disease mechanism: loss of function.

gnomAD v4.1: 1 of 1,614,226 alleles (0.000062%); highest among the groups gnomAD compares: African/African-American, 0.0013%; no homozygotes.

Submission:

Labcorp Genetics (formerly Invitae), Labcorp
Classification: Likely pathogenic for Wilson disease. Last evaluated: 2023-12-04. Review status: criteria provided, single submitter. Criteria: Invitae Variant Classification Sherloc (09022015). Collection method: clinical testing. Allele origin: germline.
Comment: This sequence change replaces threonine, which is neutral and polar, with proline, which is neutral and non-polar, at codon 1178 of the ATP7B protein (p.Thr1178Pro). This variant is not present in population databases (gnomAD no frequency). This missense change has been observed in individual(s) with clinical features of Wilson disease (PMID: 35446965; Invitae). Advanced modeling of protein sequence and biophysical properties (such as structural, functional, and spatial information, amino acid conservation, physicochemical variation, residue mobility, and thermodynamic stability) performed at Invitae indicates that this missense variant is expected to disrupt ATP7B protein function with a positive predictive value of 80%. This variant disrupts the p.Thr1178 amino acid residue in ATP7B. Other variant(s) that disrupt this residue have been determined to be pathogenic (PMID: 18034201, 21034864, 23235335, 24094725, 31059521). This suggests that this residue is clinically significant, and that variants that disrupt this residue are likely to be disease-causing. In summary, the currently available evidence indicates that the variant is pathogenic, but additional data are needed to prove that conclusively. Therefore, this variant has been classified as Likely Pathogenic.

Literature cited by the submitters: PubMed 35446965; PubMed 18034201; PubMed 21034864; PubMed 23235335; PubMed 24094725; PubMed 31059521.

NM_000053.4(ATP7B):c.3532A>C (p.Thr1178Pro)

Gene: ATP7B (ATPase copper transporting beta; minus strand). Cytogenetic location: 13q14.3.
Variant type: single nucleotide variant.
Coding change: c.3532A>C on transcript NM_000053.4 (MANE Select); coding-DNA position 3532, A replaced by C.
Protein change: p.Thr1178Pro; replaces threonine 1178 with proline.
Molecular consequence: missense variant. On other transcripts: intron variant (2).
Genome position (GRCh38, 1-based): chr13:51,941,105, T>G on the plus strand (A>C on the coding strand, the complement: ATP7B is on the minus strand). VCF-style: chr13-51941105-T-G. GRCh37 (hg19) VCF-style: chr13-52515241-T-G.
Other names: c.2242A>C, p.Thr748Pro (NM_001406548.1); c.3064+1281A>C (NM_001406543.1); c.3178+1281A>C (NM_001406538.1); c.3085A>C, p.Thr1029Pro (NM_001406540.1); c.3046A>C, p.Thr1016Pro (NM_001406541.1, NM_001406542.1); c.2950A>C, p.Thr984Pro (NM_001406544.1); c.2884A>C, p.Thr962Pro (NM_001406545.1); c.2851A>C, p.Thr951Pro (NM_001406546.1); and 20 more; short protein forms T1029P, T1065P, T1146P, T1167P, T1176P, T1178P, T897P, T1082P.
Identifiers: ClinVar variation 2794286 (VCV002794286.3), dbSNP rs1387431334, ClinGen allele CA388026029.